The following is an entry in ClinVar:

NM_014795.4(ZEB2):c.2425G>T (p.Glu809Ter)

Gene: ZEB2 (zinc finger E-box binding homeobox 2; minus strand). Cytogenetic location: 2q22.3.
Variant type: single nucleotide variant.
Coding change: c.2425G>T on transcript NM_014795.4 (MANE Select); coding-DNA position 2425, G replaced by T.
Protein change: p.Glu809Ter; replaces glutamic acid 809 with a stop codon.
Molecular consequence: nonsense.
Genome position (GRCh38, 1-based): chr2:144,398,762, C>A on the plus strand (G>T on the coding strand, the complement: ZEB2 is on the minus strand). VCF-style: chr2-144398762-C-A. GRCh37 (hg19) VCF-style: chr2-145156329-C-A.
Other names: c.2353G>T, p.Glu785Ter (NM_001171653.2); short protein forms E785*, E809*.
Identifiers: ClinVar variation 973223 (VCV000973223.5), dbSNP rs1703265228, ClinGen allele CA348708313.

ClinVar aggregate classification (germline): Pathogenic (1 of 4 stars; one submission).

Conditions:
Mowat-Wilson syndrome (MOWS). Also called: Classic Mowat-Wilson Syndrome. Identifiers: Orphanet 2152, MedGen C1856113, MONDO:0009341, OMIM 235730.

Submission:

Institute for Genomic Medicine (IGM) Clinical Laboratory, Nationwide Children's Hospital
Classification: Pathogenic for Mowat-Wilson syndrome. Last evaluated: 2018-01-22. Review status: criteria provided, single submitter. Criteria: ACMG Guidelines, 2015. Collection method: clinical testing. Allele origin: germline. Affected: yes.
Comment: [ACMG/AMP: PVS1, PS2, PM2, PP3] This alteration is a null variant in a gene where LOF is a known mechanism of disease [PVS1], is de novo in origin as it was not detected in the submitted parental specimens (identity confirmed) [PS2], is absent from or rarely observed in large-scale population databases [PM2], is predicted to be damaging by multiple functional prediction tools [PP3].